The following is an entry in ClinVar:

NM_001710.6(CFB):c.600C>T (p.Ser200=)

Gene: CFB (complement factor B; plus strand). Cytogenetic location: 6p21.33.
Variant type: single nucleotide variant.
Coding change: c.600C>T on transcript NM_001710.6 (MANE Select); coding-DNA position 600, C replaced by T.
Protein change: p.Ser200=; no amino-acid change (serine 200 retained).
Molecular consequence: synonymous variant.
Genome position (GRCh38, 1-based): chr6:31,947,463, C>T. VCF-style: chr6-31947463-C-T. GRCh37 (hg19) VCF-style: chr6-31915240-C-T.
Other names: p.Ser200=.
Identifiers: ClinVar variation 356274 (VCV000356274.23), dbSNP rs113197809, ClinGen allele CA3728080.
Genomic context (GRCh38, chr6:31,947,463, plus strand): 5'-GTACCGCCTTGAAGACAGCGTCACCTACCACTGCAGCCGGGGGCTTACCCTGCGTGGCTC[C>T]CAGCGGCGAACGTGTCAGGAAGGTGGCTCTTGGAGCGGGACGGAGCCTTCCTGCCAAGGT-3'
Protein context (NP_001701.2, residues 190-210): HCSRGLTLRG[Ser200=]QRRTCQEGGS

ClinVar aggregate classification (germline): Benign/Likely benign. Review status: criteria provided, multiple submitters, no conflicts (2 of 4 stars). 9 submissions from 9 submitters: Benign (3); Likely benign (4). 2 of the submissions do not count toward it. Last evaluated 2026-02-02.

Conditions:
Atypical hemolytic-uremic syndrome with B factor anomaly. Also called: HEMOLYTIC UREMIC SYNDROME, ATYPICAL, SUSCEPTIBILITY TO, 4; AHUS, SUSCEPTIBILITY TO, 4. Identifiers: Orphanet 2134, MedGen C2752038, MONDO:0013042, OMIM 612924.
Atypical hemolytic-uremic syndrome. Identifiers: Orphanet 2134, MedGen C2931788, MONDO:0016244.

Allele frequency attached by ClinVar (database versions not stated): ExAC 0.00829; 1000 Genomes Project 0.01358; 1000 Genomes Project 30x 0.01452; ESP Exome Variant Server 0.00474; gnomAD 0.00527 and 0.00577; TOPMed 0.00546; gnomAD exomes 0.00793 and 0.00818.
gnomAD v4.1: 12,963 of 1,613,016 alleles (0.8%); highest among the groups gnomAD compares: South Asian, 2.3%; 165 homozygotes.

Submissions (9):

Labcorp Genetics (formerly Invitae), Labcorp
Classification: Benign. Last evaluated: 2026-02-02. Review status: criteria provided, single submitter. Criteria: Invitae Variant Classification Sherloc (09022015). Collection method: clinical testing. Allele origin: germline.

Women's Health and Genetics/Laboratory Corporation of America, LabCorp
Classification: Benign. Last evaluated: 2026-01-22. Review status: criteria provided, single submitter. Criteria: LabCorp Variant Classification Summary - May 2015. Collection method: clinical testing. Allele origin: germline.

Mayo Clinic Laboratories, Mayo Clinic
Classification: Likely benign. Last evaluated: 2024-12-23. Review status: criteria provided, single submitter. Criteria: ACMG Guidelines, 2015. Collection method: clinical testing. Allele origin: germline. Observed: 73 variant alleles.
Comment: BS1, BS2, BP4, BP7

Blueprint Genetics
Classification: Likely benign. Last evaluated: 2024-11-25. Review status: criteria provided, single submitter. Criteria: ACMG Guidelines, 2015. Collection method: clinical testing. Allele origin: germline.

Genome Diagnostics Laboratory, The Hospital for Sick Children
Classification: Likely benign for Atypical hemolytic-uremic syndrome. Last evaluated: 2021-05-31. Review status: criteria provided, single submitter. Criteria: ACMG Guidelines, 2015. Collection method: clinical testing. Allele origin: germline.

Illumina Laboratory Services, Illumina
Classification: Benign for Atypical hemolytic-uremic syndrome with B factor anomaly. Last evaluated: 2018-01-12. Review status: criteria provided, single submitter. Criteria: ICSL Variant Classification Criteria 13 December 2019. Collection method: clinical testing. Allele origin: germline.
Comment: This variant was observed in the ICSL laboratory as part of a predisposition screen in an ostensibly healthy population. It had not been previously curated by ICSL or reported in the Human Gene Mutation Database (HGMD: prior to June 1st, 2018), and was therefore a candidate for classification through an automated scoring system. Utilizing variant allele frequency, disease prevalence and penetrance estimates, and inheritance mode, an automated score was calculated to assess if this variant is too frequent to cause the disease. Based on the score and internal cut-off values, a variant classified as benign is not then subjected to further curation. The score for this variant resulted in a classification of benign for this disease.

Breakthrough Genomics
Classification: Likely benign. Review status: criteria provided, single submitter. Criteria: ACMG Guidelines, 2015. Collection method: not provided. Allele origin: germline. Inheritance: Autosomal recessive inheritance. Affected: yes.

Genome Diagnostics Laboratory, University Medical Center Utrecht
Classification: Benign. Review status: no assertion criteria provided. Collection method: clinical testing. Allele origin: germline. Affected: yes. Study: VKGL Data-share Consensus. Not counted in ClinVar's aggregate classification.

Joint Genome Diagnostic Labs from Nijmegen and Maastricht, Radboudumc and MUMC+
Classification: Likely benign. Review status: no assertion criteria provided. Collection method: clinical testing. Allele origin: germline. Affected: yes. Study: VKGL Data-share Consensus. Not counted in ClinVar's aggregate classification.